The following is an entry in ClinVar:

NM_001127222.2(CACNA1A):c.3325A>T (p.Ile1109Phe)

Gene: CACNA1A (calcium voltage-gated channel subunit alpha1 A; minus strand). Cytogenetic location: 19p13.13.
Variant type: single nucleotide variant.
Coding change: c.3325A>T on transcript NM_001127222.2 (MANE Select); coding-DNA position 3325, A replaced by T.
Protein change: p.Ile1109Phe; replaces isoleucine 1109 with phenylalanine.
Molecular consequence: missense variant.
Genome position (GRCh38, 1-based): chr19:13,286,731, T>A on the plus strand (A>T on the coding strand, the complement: CACNA1A is on the minus strand). VCF-style: chr19-13286731-T-A. GRCh37 (hg19) VCF-style: chr19-13397545-T-A.
Other names: c.3337A>T, p.Ile1113Phe (NM_000068.4, NM_023035.3); c.3328A>T, p.Ile1110Phe (NM_001127221.2, NM_001174080.2); short protein forms I1110F, I1109F, I1113F.
Identifiers: ClinVar variation 575446 (VCV000575446.12), dbSNP rs1568495538, ClinGen allele CA404341592.
Genomic context (GRCh38, chr19:13,286,731, plus strand): 5'-CCGGGTTGTTGGGCGTCCGGCGGCTGGCGGCGTTCTGGGGGTTGGTGGCCATGGCAGGGA[T>A]GGCCAGCATGGGGCCGGGGTCGGTGCTGTTTCCCATCTTGGCTGGGCTCTGGGGCAGGCC-3'
Protein context (NP_001120694.1, residues 1099-1119): NSTDPGPMLA[Ile1109Phe]PAMATNPQNA

ClinVar aggregate classification (germline): Uncertain significance. Review status: criteria provided, multiple submitters, no conflicts (2 of 4 stars). 2 submissions from 2 submitters: Uncertain significance (2). Last evaluated 2023-09-06.

Conditions:
Episodic ataxia type 2 (EA2). Also called: ACETAZOLAMIDE-RESPONSIVE HEREDITARY PAROXYSMAL CEREBELLAR ATAXIA; CEREBELLAR ATAXIA, PAROXYSMAL, ACETAZOLAMIDE-RESPONSIVE; CEREBELLOPATHY, HEREDITARY PAROXYSMAL; EPISODIC ATAXIA, NYSTAGMUS-ASSOCIATED; ATAXIA, EPISODIC, WITH NYSTAGMUS; ATAXIA, FAMILIAL PAROXYSMAL. Identifiers: Orphanet 97, MedGen C1720416, MONDO:0007163, OMIM 108500.
Developmental and epileptic encephalopathy, 42 (DEE42A). Also called: DEVELOPMENTAL AND EPILEPTIC ENCEPHALOPATHY 42A; EPILEPTIC ENCEPHALOPATHY, EARLY INFANTILE, 42A; Epileptic encephalopathy, early infantile, 42. Identifiers: MedGen C4310716, MONDO:0014917, OMIM 617106.

Allele frequency attached by ClinVar (database versions not stated): gnomAD exomes below 0.00001; TOPMed below 0.00001.
gnomAD v4.1: 3 of 1,599,350 alleles (0.00019%); highest among the groups gnomAD compares: Non-Finnish European, 0.00026%; no homozygotes.

Submissions (2):

Labcorp Genetics (formerly Invitae), Labcorp
Classification: Uncertain significance for Developmental and epileptic encephalopathy, 42; Episodic ataxia type 2. Last evaluated: 2023-09-06. Review status: criteria provided, single submitter. Criteria: Invitae Variant Classification Sherloc (09022015). Collection method: clinical testing. Allele origin: germline.
Comment: This sequence change replaces isoleucine, which is neutral and non-polar, with phenylalanine, which is neutral and non-polar, at codon 1110 of the CACNA1A protein (p.Ile1110Phe). In summary, the available evidence is currently insufficient to determine the role of this variant in disease. Therefore, it has been classified as a Variant of Uncertain Significance. Advanced modeling of protein sequence and biophysical properties (such as structural, functional, and spatial information, amino acid conservation, physicochemical variation, residue mobility, and thermodynamic stability) performed at Invitae indicates that this missense variant is not expected to disrupt CACNA1A protein function. ClinVar contains an entry for this variant (Variation ID: 575446). This variant has not been reported in the literature in individuals affected with CACNA1A-related conditions. This variant is not present in population databases (gnomAD no frequency).

GeneDx
Classification: Uncertain significance. Last evaluated: 2020-06-08. Review status: criteria provided, single submitter. Criteria: GeneDx Variant Classification Process June 2021. Collection method: clinical testing. Allele origin: germline. Affected: yes.
Comment: Not observed in large population cohorts (Lek et al., 2016); In silico analysis supports that this missense variant does not alter protein structure/function; Has not been previously published as pathogenic or benign to our knowledge